The following is an entry in ClinVar:

NM_198586.3(NHLRC1):c.377T>C (p.Leu126Pro)

Gene: NHLRC1 (NHL repeat containing E3 ubiquitin protein ligase 1; minus strand). Cytogenetic location: 6p22.3.
Variant type: single nucleotide variant.
Coding change: c.377T>C on transcript NM_198586.3 (MANE Select); coding-DNA position 377, T replaced by C.
Protein change: p.Leu126Pro; replaces leucine 126 with proline.
Molecular consequence: missense variant.
Genome position (GRCh38, 1-based): chr6:18,122,230, A>G on the plus strand (T>C on the coding strand, the complement: NHLRC1 is on the minus strand). VCF-style: chr6-18122230-A-G. GRCh37 (hg19) VCF-style: chr6-18122461-A-G.
Other names: short protein forms L126P.
Identifiers: ClinVar variation 2136368 (VCV002136368.4), dbSNP rs950907157, ClinGen allele CA134960023.

ClinVar aggregate classification (germline): Likely pathogenic (1 of 4 stars; one submission).

Conditions:
Lafora disease. Also called: Epilepsy progressive myoclonic 2; Progressive Myoclonus Epilepsy, Lafora Type. Identifiers: Orphanet 501, MedGen C0751783, MONDO:0009697.

Allele frequency attached by ClinVar (database versions not stated): TOPMed below 0.00001; gnomAD 0.00001.

Submission:

Labcorp Genetics (formerly Invitae), Labcorp
Classification: Likely pathogenic for Lafora disease. Last evaluated: 2022-11-01. Review status: criteria provided, single submitter. Criteria: Invitae Variant Classification Sherloc (09022015). Collection method: clinical testing. Allele origin: germline.
Comment: This sequence change replaces leucine, which is neutral and non-polar, with proline, which is neutral and non-polar, at codon 126 of the NHLRC1 protein (p.Leu126Pro). This variant is not present in population databases (gnomAD no frequency). This missense change has been observed in individual(s) with progressive myoclonic epilepsy (PMID: 18311786). Algorithms developed to predict the effect of missense changes on protein structure and function (SIFT, PolyPhen-2, Align-GVGD) all suggest that this variant is likely to be disruptive. Experimental studies have shown that this missense change affects NHLRC1 function (PMID: 18311786). In summary, the currently available evidence indicates that the variant is pathogenic, but additional data are needed to prove that conclusively. Therefore, this variant has been classified as Likely Pathogenic.

Literature cited by the submitters: PubMed 18311786.